The following is an entry in ClinVar:

ClinVar aggregate classification (germline): Likely benign (1 of 4 stars; one submission).

Allele frequency attached by ClinVar (database versions not stated): gnomAD exomes 0.00004; TOPMed 0.00006; ExAC 0.00008; gnomAD 0.00010; 1000 Genomes Project 30x 0.00016; 1000 Genomes Project 0.00020.
gnomAD v4.1: 78 of 1,614,232 alleles (0.0048%); highest among the groups gnomAD compares: East Asian, 0.013%; no homozygotes.

Submission:

CeGaT Center for Human Genetics Tuebingen
Classification: Likely benign. Last evaluated: 2022-11-01. Review status: criteria provided, single submitter. Criteria: CeGaT Center For Human Genetics Tuebingen Variant Classification Criteria Version 2. Collection method: clinical testing. Allele origin: germline. Affected: yes. Observed: 1 variant allele.
Comment: MAST2: BP4, BP7

NM_015112.3(MAST2):c.1143A>G (p.Gln381=)

Gene: MAST2 (microtubule associated serine/threonine kinase 2; plus strand). Cytogenetic location: 1p34.1.
Variant type: single nucleotide variant.
Coding change: c.1143A>G on transcript NM_015112.3 (MANE Select); coding-DNA position 1143, A replaced by G.
Protein change: p.Gln381=; no amino-acid change (glutamine 381 retained).
Molecular consequence: synonymous variant.
Genome position (GRCh38, 1-based): chr1:46,010,894, A>G. VCF-style: chr1-46010894-A-G. GRCh37 (hg19) VCF-style: chr1-46476566-A-G.
Other names: c.1143A>G, p.Gln381= (NM_001319245.2); c.1164A>G, p.Gln388= (NM_001324320.2); c.681A>G, p.Gln227= (NM_001324321.2).
Identifiers: ClinVar variation 2638793 (VCV002638793.24), dbSNP rs527729571, ClinGen allele CA831193.
Genomic context (GRCh38, chr1:46,010,894, plus strand): 5'-GGTGATTGAGATGGCCCGAGACTGCCTGGATAAATCTCGGAGTGGCCTCATTACATCACA[A>G]TACTTCTACGAACTTCAAGATAATTTGGAGAAACTTTTACAAGATGTGAGTGTCCTTGTG-3'
Protein context (NP_055927.2, residues 371-391): DKSRSGLITS[Gln381=]YFYELQDNLE